The following is an entry in ClinVar:

ClinVar aggregate classification (germline): Pathogenic (1 of 4 stars; one submission).

Conditions:
Intellectual disability, X-linked 102 (MRXSSB). Also called: Intellectual developmental disorder, X-linked syndromic, Snijders Blok type. Identifiers: Orphanet 457260, MedGen C5393299, MONDO:0010497, OMIM 300958.

Submission:

Victorian Clinical Genetics Services, Murdoch Childrens Research Institute
Classification: Pathogenic for Intellectual disability, X-linked 102. Last evaluated: 2023-07-17. Review status: criteria provided, single submitter. Criteria: ACMG Guidelines, 2015. Collection method: clinical testing. Allele origin: germline. Inheritance: X-linked inheritance. Affected: yes.
Comment: Based on the classification scheme VCGS_Germline_v1.3.4, this variant is classified as Pathogenic. Following criteria are met: 0102 - Loss of function is a known mechanism of disease in this gene and is associated with Snijders Blok-type X-linked syndromic intellectual developmental disorder (MIM#300958). (I) 0110 - This gene is associated with X-linked dominant disease. Females may or may not be symptomatic (OMIM). (I) 0201 - Variant is predicted to cause nonsense-mediated decay (NMD) and loss of protein (premature termination codon is located at least 54 nucleotides upstream of the final exon-exon junction). (SP) 0251 - This variant is heterozygous. (I) 0301 - Variant is absent from gnomAD (both v2 and v3). (SP) 0701 - Other NMD-predicted variants comparable to the one identified in this case have very strong previous evidence for pathogenicity. These variants have been reported many times as pathogenic (DECIPHER, PMID: 36434914). (SP) 0807 - This variant has no previous evidence of pathogenicity. (I) 0905 - No published segregation evidence has been identified for this variant. (I) 1007 - No published functional evidence has been identified for this variant. (SP) Legend: (SP) - Supporting pathogenic, (I) - Information, (SB) - Supporting benign

Literature cited by the submitters: PubMed 36434914.

NM_001356.5(DDX3X):c.925C>T (p.Gln309Ter)

Gene: DDX3X (DEAD-box helicase 3 X-linked; plus strand). Cytogenetic location: Xp11.4.
Variant type: single nucleotide variant.
Coding change: c.925C>T on transcript NM_001356.5 (MANE Select); coding-DNA position 925, C replaced by T.
Protein change: p.Gln309Ter; replaces glutamine 309 with a stop codon.
Molecular consequence: nonsense. On other transcripts: non-coding transcript variant (1).
Genome position (GRCh38, 1-based): chrX:41,344,299, C>T. VCF-style: chrX-41344299-C-T. GRCh37 (hg19) VCF-style: chrX-41203552-C-T.
Other names: c.925C>T, p.Gln309Ter (NM_001193416.3); c.877C>T, p.Gln293Ter (NM_001193417.3); c.367C>T, p.Gln123Ter (NM_001363819.1); short protein forms Q123*, Q293*, Q309*.
Identifiers: ClinVar variation 3254750 (VCV003254750.2), dbSNP rs2519515130.